The following is an entry in ClinVar:

ClinVar aggregate classification (germline): Uncertain significance (1 of 4 stars; one submission).

Conditions:
Mowat-Wilson syndrome (MOWS). Also called: Classic Mowat-Wilson Syndrome. Identifiers: Orphanet 2152, MedGen C1856113, MONDO:0009341, OMIM 235730.

Allele frequency attached by ClinVar (database versions not stated): gnomAD exomes below 0.00001.
gnomAD v4.1: 1 of 1,614,108 alleles (0.000062%); highest among the groups gnomAD compares: Non-Finnish European, 0.000085%; no homozygotes.

Submission:

Labcorp Genetics (formerly Invitae), Labcorp
Classification: Uncertain significance for Mowat-Wilson syndrome. Last evaluated: 2023-12-21. Review status: criteria provided, single submitter. Criteria: Invitae Variant Classification Sherloc (09022015). Collection method: clinical testing. Allele origin: germline.
Comment: This sequence change replaces glutamic acid, which is acidic and polar, with glycine, which is neutral and non-polar, at codon 1137 of the ZEB2 protein (p.Glu1137Gly). This variant is not present in population databases (gnomAD no frequency). This variant has not been reported in the literature in individuals affected with ZEB2-related conditions. Advanced modeling of protein sequence and biophysical properties (such as structural, functional, and spatial information, amino acid conservation, physicochemical variation, residue mobility, and thermodynamic stability) performed at Invitae indicates that this missense variant is not expected to disrupt ZEB2 protein function with a negative predictive value of 80%. In summary, the available evidence is currently insufficient to determine the role of this variant in disease. Therefore, it has been classified as a Variant of Uncertain Significance.

NM_014795.4(ZEB2):c.3410A>G (p.Glu1137Gly)

Gene: ZEB2 (zinc finger E-box binding homeobox 2; minus strand). Cytogenetic location: 2q22.3.
Variant type: single nucleotide variant.
Coding change: c.3410A>G on transcript NM_014795.4 (MANE Select); coding-DNA position 3410, A replaced by G.
Protein change: p.Glu1137Gly; replaces glutamic acid 1137 with glycine.
Molecular consequence: missense variant.
Genome position (GRCh38, 1-based): chr2:144,389,686, T>C on the plus strand (A>G on the coding strand, the complement: ZEB2 is on the minus strand). VCF-style: chr2-144389686-T-C. GRCh37 (hg19) VCF-style: chr2-145147253-T-C.
Other names: c.3338A>G, p.Glu1113Gly (NM_001171653.2); short protein forms E1113G, E1137G.
Identifiers: ClinVar variation 2704696 (VCV002704696.3), dbSNP rs2549101687, ClinGen allele CA348699372.